The following is an entry in ClinVar:

ClinVar aggregate classification (germline): Conflicting classifications of pathogenicity. Review status: criteria provided, conflicting classifications (1 of 4 stars). 2 submissions from 2 submitters: Uncertain significance (1); Likely benign (1). Last evaluated 2025-01-17.

Conditions:
Hereditary cancer-predisposing syndrome. Also called: Tumor predisposition; Hereditary Cancer Syndrome; Hereditary neoplastic syndrome; Neoplastic Syndromes, Hereditary. Identifiers: Orphanet 140162, MedGen C0027672, MeSH D009386, MONDO:0015356.
POLD1-related polyposis and colorectal cancer syndrome (CRCS10). Also called: Colorectal cancer 10; COLORECTAL CANCER, SUSCEPTIBILITY TO, ON CHROMOSOME 19q; Colorectal cancer, susceptibility to, 10. Identifiers: Orphanet 220460, MedGen C2675481, MONDO:0012953, OMIM 612591.

gnomAD v4.1: 6 of 1,606,130 alleles (0.00037%); highest among the groups gnomAD compares: Admixed American, 0.0051%; no homozygotes.

Submissions (2):

Ambry Genetics
Classification: Likely benign for Hereditary cancer-predisposing syndrome. Last evaluated: 2025-01-17. Review status: criteria provided, single submitter. Criteria: Ambry Variant Classification Scheme 2023. Collection method: clinical testing. Allele origin: germline.

Labcorp Genetics (formerly Invitae), Labcorp
Classification: Uncertain significance for POLD1-related polyposis and colorectal cancer syndrome. Last evaluated: 2024-10-15. Review status: criteria provided, single submitter. Criteria: Invitae Variant Classification Sherloc (09022015). Collection method: clinical testing. Allele origin: germline.
Comment: This sequence change replaces valine, which is neutral and non-polar, with leucine, which is neutral and non-polar, at codon 220 of the POLD1 protein (p.Val220Leu). This variant is present in population databases (rs749052483, gnomAD 0.009%). This variant has not been reported in the literature in individuals affected with POLD1-related conditions. ClinVar contains an entry for this variant (Variation ID: 851437). Invitae Evidence Modeling of protein sequence and biophysical properties (such as structural, functional, and spatial information, amino acid conservation, physicochemical variation, residue mobility, and thermodynamic stability) indicates that this missense variant is not expected to disrupt POLD1 protein function with a negative predictive value of 80%. In summary, the available evidence is currently insufficient to determine the role of this variant in disease. Therefore, it has been classified as a Variant of Uncertain Significance.

NM_002691.4(POLD1):c.658G>T (p.Val220Leu)

Gene: POLD1 (DNA polymerase delta 1, catalytic subunit; plus strand). Cytogenetic location: 19q13.33.
Variant type: single nucleotide variant.
Coding change: c.658G>T on transcript NM_002691.4 (MANE Select); coding-DNA position 658, G replaced by T.
Protein change: p.Val220Leu; replaces valine 220 with leucine.
Molecular consequence: missense variant. On other transcripts: non-coding transcript variant (1).
Genome position (GRCh38, 1-based): chr19:50,402,273, G>T. VCF-style: chr19-50402273-G-T. GRCh37 (hg19) VCF-style: chr19-50905530-G-T.
Other names: c.658G>T, p.Val220Leu (NM_001256849.1, NM_001308632.1); c.658G>T (NM_002691.2); short protein forms V220L.
Identifiers: ClinVar variation 851437 (VCV000851437.8), dbSNP rs749052483, ClinGen allele CA9595854.
Genomic context (GRCh38, chr19:50,402,273, plus strand): 5'-GGGTACCACGGGCACGGCCCCTCCCCGTTCCTGCGCATCACCGTGGCGCTGCCGCGCCTC[G>T]TGGCCCCGGCCCGCCGTCTCCTGGAACAGGGCATCCGTGTGGCAGGCCTGGGCACGCCCA-3'
Protein context (NP_002682.2, residues 210-230): LRITVALPRL[Val220Leu]APARRLLEQG